The following is an entry in ClinVar:

NM_000069.3(CACNA1S):c.3415-4A>T

Gene: CACNA1S (calcium voltage-gated channel subunit alpha1 S; minus strand). Cytogenetic location: 1q32.1.
Variant type: single nucleotide variant.
Coding change: c.3415-4A>T on transcript NM_000069.3 (MANE Select); 4 bases into the intron before coding-DNA position 3415, A replaced by T.
Molecular consequence: intron variant.
Genome position (GRCh38, 1-based): chr1:201,059,303, T>A on the plus strand (A>T on the coding strand, the complement: CACNA1S is on the minus strand). VCF-style: chr1-201059303-T-A. GRCh37 (hg19) VCF-style: chr1-201028431-T-A.
Identifiers: ClinVar variation 3069968 (VCV003069968.1), dbSNP rs746278102, ClinGen allele CA528313824.
Genomic context (GRCh38, chr1:201,059,303, plus strand): 5'-GAAGGCCACATTGAGGATGTCTGAGATGTGGTTCATCTGCTCCGACTGGTTGTAGTGCTG[T>A]GGAGGGGACACAGGAGCAGTGGGTCAGGGGGGCCGGGTTTGCCCACCCTGTAGATTGCAT-3'

ClinVar aggregate classification (germline): Uncertain significance (1 of 4 stars; one submission).

Conditions:
Malignant hyperthermia, susceptibility to, 5 (MHS5). Also called: CACNA1S-Related Malignant Hyperthermia Susceptibility. Identifiers: Orphanet 423, MedGen C1866077, MONDO:0011163, OMIM 601887.

Allele frequency attached by ClinVar (database versions not stated): gnomAD 0.00001; TOPMed 0.00001.
gnomAD v4.1: 1 of 1,604,188 alleles (0.000062%); highest among the groups gnomAD compares: African/African-American, 0.0013%; no homozygotes.

Submission:

All of Us Research Program, National Institutes of Health
Classification: Uncertain significance for Malignant hyperthermia, susceptibility to, 5. Last evaluated: 2023-10-23. Review status: criteria provided, single submitter. Criteria: ACMG Guidelines, 2015. Collection method: clinical testing. Allele origin: germline. Inheritance: Autosomal dominant inheritance. Observed: 4 variant alleles, 4 heterozygotes.
Comment: This variant causes an A to T nucleotide substitution at the -4 position of intron 26 of the CACNA1S gene. To our knowledge, functional studies have not been reported for this variant. This variant has not been reported in individuals affected with CACNA1S-related disorders in the literature. This variant has been identified in 1/31390 chromosomes in the general population by the Genome Aggregation Database (gnomAD). The available evidence is insufficient to determine the role of this variant in disease conclusively. Therefore, this variant is classified as a Variant of Uncertain Significance.

This study involves interpretation of variants in research participants for the purpose of population health screening. Participant phenotype was not available at the time of variant classification. Additional details can be found in publication PMID: 35346344, PMCID: PMC8962531